The following is an entry in ClinVar:

ClinVar aggregate classification (germline): Uncertain significance (1 of 4 stars; one submission).

Conditions:
Bethlem myopathy 1A. Also called: MYOPATHY, BENIGN CONGENITAL, WITH CONTRACTURES; Bethlem myopathy 1; Bethlem Muscular Dystrophy. Identifiers: Orphanet 610, MedGen CN029274, MONDO:0024530, OMIM 158810.

Submission:

Labcorp Genetics (formerly Invitae), Labcorp
Classification: Uncertain significance for Bethlem myopathy 1A. Last evaluated: 2025-12-29. Review status: criteria provided, single submitter. Criteria: Invitae Variant Classification Sherloc (09022015). Collection method: clinical testing. Allele origin: germline.
Comment: This sequence change replaces arginine, which is basic and polar, with cysteine, which is neutral and slightly polar, at codon 129 of the COL6A2 protein (p.Arg129Cys). This variant is present in population databases (rs374805550, gnomAD 0.006%). This missense change has been observed in individual(s) with clinical features of COL6A2-related conditions (PMID: 39135765). Invitae Evidence Modeling of protein sequence and biophysical properties (such as structural, functional, and spatial information, amino acid conservation, physicochemical variation, residue mobility, and thermodynamic stability) indicates that this missense variant is not expected to disrupt COL6A2 protein function with a negative predictive value of 80%. In summary, the available evidence is currently insufficient to determine the role of this variant in disease. Therefore, it has been classified as a Variant of Uncertain Significance.

Literature cited by the submitters: PubMed 39135765.

NM_001849.4(COL6A2):c.385C>T (p.Arg129Cys)

Gene: COL6A2 (collagen type VI alpha 2 chain; plus strand). Cytogenetic location: 21q22.3.
Variant type: single nucleotide variant.
Coding change: c.385C>T on transcript NM_001849.4 (MANE Select); coding-DNA position 385, C replaced by T.
Protein change: p.Arg129Cys; replaces arginine 129 with cysteine.
Molecular consequence: missense variant.
Genome position (GRCh38, 1-based): chr21:46,112,248, C>T. VCF-style: chr21-46112248-C-T. GRCh37 (hg19) VCF-style: chr21-47532162-C-T.
Other names: c.385C>T, p.Arg129Cys (NM_058174.3, NM_058175.3); short protein forms R129C.
Identifiers: ClinVar variation 4697566 (VCV004697566.1).